The following is an entry in ClinVar:

NM_003118.4(SPARC):c.209-6C>T

Gene: SPARC (secreted protein acidic and cysteine rich; minus strand). Cytogenetic location: 5q33.1.
Variant type: single nucleotide variant.
Coding change: c.209-6C>T on transcript NM_003118.4 (MANE Select); 6 bases into the intron before coding-DNA position 209, C replaced by T.
Molecular consequence: intron variant.
Genome position (GRCh38, 1-based): chr5:151,671,700, G>A on the plus strand (C>T on the coding strand, the complement: SPARC is on the minus strand). VCF-style: chr5-151671700-G-A. GRCh37 (hg19) VCF-style: chr5-151051261-G-A.
Other names: p.?; c.206-6C>T (NM_001309443.2); c.209-6C>T (NM_001309444.2).
Identifiers: ClinVar variation 4684873 (VCV004684873.1).

ClinVar aggregate classification (germline): Likely benign (1 of 4 stars; one submission).

gnomAD v4.1: 1 of 1,613,612 alleles (0.000062%); highest among the groups gnomAD compares: Non-Finnish European, 0.000085%; no homozygotes.

Submission:

Mayo Clinic Laboratories, Mayo Clinic
Classification: Likely benign. Last evaluated: 2025-06-16. Review status: criteria provided, single submitter. Criteria: ACMG Guidelines, 2015. Collection method: clinical testing. Allele origin: germline. Observed: 1 variant allele.
Comment: BP4, BP7, PM2_supporting